The following is an entry in ClinVar:

ClinVar aggregate classification (germline): Pathogenic (1 of 4 stars; one submission).

Conditions:
Danon disease. Also called: PSEUDOGLYCOGENOSIS II; GSD IIb; LYSOSOMAL GLYCOGEN STORAGE DISEASE WITHOUT ACID MALTASE DEFICIENCY; Glycogen Storage Disease Type IIb; ANTOPOL DISEASE. Identifiers: Orphanet 34587, MedGen C0878677, MONDO:0010281, OMIM 300257.
Cardiomyopathy (CMYO). Also called: Cardiomyopathies. Identifiers: Orphanet 167848, MedGen C0878544, MONDO:0004994, HP:0001638. Inheritance: Various modes of inheritance.

Submission:

GeneDx
Classification: Pathogenic for Dannon Disease; cardiomyopathy. Last evaluated: 2014-05-08. Review status: criteria provided, single submitter. Criteria: GeneDx Variant Classification (06012015). Collection method: clinical testing. Allele origin: germline. Affected: yes.
Comment: c.588_589insCAACA: p.Val197GlnfsX47 (V197QfsX47) in exon 5 of the LAMP2 gene (NM_002294.2). The normal sequence with the bases that are duplicated in braces is: ACTT{CAACA}GTGG. Although the c.588_589insCAACA mutation in the LAMP2 gene has not been reported to our knowledge, this mutation causes a shift in reading frame starting at codon Valine197, changing it to a Glutamine, and creating a premature stop codon at position 47 of the new reading frame, denoted p.Val197GlnfsX47. This mutation is expected to result in either an abnormal, truncated protein product or loss of protein from this allele through nonsense-mediated mRNA decay. Other frameshift mutations in the LAMP2 gene have been reported in association with Danon disease. In summary, c.588_589insCAACA in the LAMP2 gene is interpreted as a disease-causing mutation. The variant is found in HCM panel(s).

NM_002294.3(LAMP2):c.584_588dup (p.Val197fs)

Gene: LAMP2 (lysosome associated membrane protein 2; minus strand). Cytogenetic location: Xq24.
Variant type: Duplication.
Coding change: c.584_588dup on transcript NM_002294.3 (MANE Select); coding-DNA positions 584 to 588, 5 bases duplicated (CAACA; older notation c.584_588dupCAACA).
Protein change: p.Val197fs; shifts the reading frame from valine 197.
Molecular consequence: frameshift variant.
Genome position (GRCh38, 1-based): chrX:120,447,994-120,447,998, TGTTG duplicated on the plus strand (CAACA on the coding strand, the reverse complement: LAMP2 is on the minus strand). VCF-style (leftmost placement, unchanged base first): chrX-120447993-C-CTGTTG. GRCh37 (hg19) VCF-style: chrX-119581848-C-CTGTTG.
Other names: c.584_588dup, p.Val197fs (NM_001122606.1, NM_013995.2); c.588_589insCAACA (NM_002294.2); short protein forms V197fs.
Identifiers: ClinVar variation 180887 (VCV000180887.1), dbSNP rs730880492, ClinGen allele CA333709.